The following is an entry in ClinVar:

NM_201548.5(CERKL):c.1073+3_1073+6del

Gene: CERKL (CERK like autophagy regulator; minus strand). Cytogenetic location: 2q31.3.
Variant type: Microsatellite.
Coding change: c.1073+3_1073+6del on transcript NM_201548.5 (MANE Select); bases 3 to 6 of the intron after coding-DNA position 1073, 4 bases deleted (AAGT; older notation c.1073+3_1073+6delAAGT).
Molecular consequence: splice donor variant.
Genome position (GRCh38, 1-based): chr2:181,548,674-181,548,677, ACTT deleted on the plus strand (AAGT on the coding strand, the reverse complement: CERKL is on the minus strand); deleting any 4 consecutive bases within chr2:181,548,674-181,548,682 gives the same sequence; the c. name uses the placement nearest the transcript's 3' end. VCF-style (leftmost placement, unchanged base first): chr2-181548673-GACTT-G. GRCh37 (hg19) VCF-style: chr2-182413400-GACTT-G.
Other names: c.1133+3_1133+6delAAGT; c.1151+3_1151+6delAAGT (NM_001030311.2); c.734+3_734+6del (NM_001030312.3); c.1019+3_1019+6del (NM_001160277.2); c.866+3_866+6del (NM_001030313.3); c.1151+3_1151+6del (NM_001030311.3).
Identifiers: ClinVar variation 438052 (VCV000438052.61), dbSNP rs1553513437, ClinGen allele CA645509113.
Genomic context (GRCh38, chr2:181,548,673, plus strand): 5'-TAATGAAATTTGTTATTAACAGTCATTGAACCTGGGATACAATTTTTGGTTTAAGAAAAA[GACTT>G]ACTTAAGTTTTGCCAGTGCCTTAACAACAGCAAAATCTCTCCGTTGGTTAGGGGACATCC-3'

ClinVar aggregate classification (germline): Pathogenic/Likely pathogenic. Review status: criteria provided, multiple submitters, no conflicts (2 of 4 stars). 10 submissions from 10 submitters: Pathogenic (5); Likely pathogenic (2). 3 of the submissions do not count toward it. Last evaluated 2026-03-09.

Conditions:
Retinal dystrophy. Also called: Inherited retinal dystrophy. Identifiers: Orphanet 71862, MedGen C0854723, MeSH D058499, MONDO:0019118, HP:0000556.
Autosomal recessive retinitis pigmentosa. Identifiers: MedGen C0339526.
Retinitis pigmentosa (RP). Identifiers: Orphanet 791, MedGen C0035334, MeSH D012174, MONDO:0019200, OMIM 268000. Inheritance: Autosomal dominant, autosomal recessive and X linked inheritance.
Retinitis pigmentosa 26 (RP26). Identifiers: Orphanet 791, MedGen C1842127, MONDO:0012024, OMIM 608380.

Submissions (10):

Dasa
Classification: Pathogenic. Last evaluated: 2026-03-09. Review status: criteria provided, single submitter. Criteria: DASA Assertion Criteria. Collection method: clinical testing. Allele origin: germline.
Comment: NM_201548.5(CERKL):c.1073+3_1073+6del is a splice-region variant predicted to affect normal RNA splicing. Segregation data support an association with disease in the reported family/families (PMID: 27874104). This variant has been recurrently observed in individuals with CERKL-related disorders (PMID: 27874104; PMID: 28041643). Also, this variant is rare in population databases. Based on the currently available evidence, this variant is classified as pathogenic.

Natera, Inc.
Classification: Likely pathogenic for Retinitis Pigmentosa 26. Last evaluated: 2025-10-23. Review status: criteria provided, single submitter. Criteria: Natera Variant Classification Schema (03/2026). Collection method: clinical testing. Allele origin: germline.
Comment: The c.1151+3_1151+6delAAGT variant in CERKL is a frameshift variant predicted to shift the reading frame and introduce a stop codon. This variant is rare in the general population with a frequency below the threshold expected for the associated phenotype(s). This variant has been observed in one or more individuals affected with the associated recessive disease, as either homozygous or compound heterozygous with a second variant (PMID: 27874104, 32531858). Functional studies show that this variant may disrupt protein function (PMID: 27874104). Computational prediction algorithms indicate this variant is likely to affect gene or protein function. Given the available evidence, this variant is classified as Likely Pathogenic.

Labcorp Genetics (formerly Invitae), Labcorp
Classification: Pathogenic. Last evaluated: 2024-11-11. Review status: criteria provided, single submitter. Criteria: Invitae Variant Classification Sherloc (09022015). Collection method: clinical testing. Allele origin: germline.
Comment: This sequence change falls in intron 8 of the CERKL gene. It does not directly change the encoded amino acid sequence of the CERKL protein. It affects a nucleotide within the consensus splice site. This variant is not present in population databases (gnomAD no frequency). This variant has been observed in individuals with retinal dystrophy (PMID: 27874104, 28041643). It has also been observed to segregate with disease in related individuals. This variant is also known as c.1133+3_1133+6delAAGT. ClinVar contains an entry for this variant (Variation ID: 438052). Variants that disrupt the consensus splice site are a relatively common cause of aberrant splicing (PMID: 17576681, 9536098). Algorithms developed to predict the effect of sequence changes on RNA splicing suggest that this variant may disrupt the consensus splice site. For these reasons, this variant has been classified as Pathogenic.

Baylor Genetics
Classification: Pathogenic for Retinitis pigmentosa 26. Last evaluated: 2023-10-25. Review status: criteria provided, single submitter. Criteria: ACMG Guidelines, 2015. Collection method: clinical testing. Allele origin: unknown.

Institute of Human Genetics, Univ. Regensburg, Univ. Regensburg
Classification: Pathogenic for Retinal dystrophy. Last evaluated: 2022-01-01. Review status: criteria provided, single submitter. Criteria: ACMG Guidelines, 2015. Collection method: clinical testing. Allele origin: germline. Affected: yes.

Revvity Omics, Revvity
Classification: Likely pathogenic for Retinitis pigmentosa 26. Last evaluated: 2021-10-27. Review status: criteria provided, single submitter. Criteria: ACMG Guidelines, 2015. Collection method: clinical testing. Allele origin: germline.

CeGaT Center for Human Genetics Tuebingen
Classification: Pathogenic. Last evaluated: 2018-09-01. Review status: criteria provided, single submitter. Criteria: CeGaT Center For Human Genetics Tuebingen Variant Classification Criteria Version 2. Collection method: clinical testing. Allele origin: germline. Affected: yes. Observed: 3 variant alleles.

Counsyl
Classification: Likely pathogenic for Retinitis pigmentosa 26. Last evaluated: 2018-06-04. Review status: no assertion criteria provided. Collection method: clinical testing. Allele origin: unknown. Not counted in ClinVar's aggregate classification.

Faculty of Health Sciences, Beirut Arab University
Classification: Pathogenic for Autosomal recessive Retinitis Pigmentosa. Last evaluated: 2016-11-22. Review status: no assertion criteria provided. Collection method: literature only. Allele origin: germline. Affected: yes. Observed: 5 variant alleles. Not counted in ClinVar's aggregate classification.
Comment: Until the end of December, 2020, the description of the allele being reported in SCV001434716 not consistent with the published report. NCBI staff reviewed the traces in Figure 3 of the paper by Habibi et al., 2016 (PubMed 27874104) to correct the description from NM_201548.4:c.1133+3_1133+6delAAGT to NM_201548.5:c.1073+3_1073+6del (Allele ID 431648). NM_201548.4:c.1133 does not define an exon boundary.

NIHR Bioresource Rare Diseases, University of Cambridge
Classification: Likely pathogenic for Retinitis pigmentosa. Last evaluated: 2015-01-01. Review status: no assertion criteria provided. Collection method: research. Allele origin: unknown. Affected: yes. Observed: 1 variant allele. Not counted in ClinVar's aggregate classification.

Literature cited by the submitters: PubMed 27874104 (cited by 6 submitters); PubMed 28041643 (cited by 5 submitters); PubMed 32531858 (cited by Natera, Inc. and Institute of Human Genetics, Univ. Regensburg, Univ. Regensburg); PubMed 17576681 (cited by Labcorp Genetics (formerly Invitae), Labcorp); PubMed 9536098 (cited by Labcorp Genetics (formerly Invitae), Labcorp); PubMed 32581362 (cited by Institute of Human Genetics, Univ. Regensburg, Univ. Regensburg).